The following is an entry in ClinVar:

NM_020778.5(ALPK3):c.4130-3C>T

Gene: ALPK3 (alpha kinase 3; plus strand). Cytogenetic location: 15q25.3.
Variant type: single nucleotide variant.
Coding change: c.4130-3C>T on transcript NM_020778.5 (MANE Select); 3 bases into the intron before coding-DNA position 4130, C replaced by T.
Molecular consequence: intron variant.
Genome position (GRCh38, 1-based): chr15:84,862,632, C>T. VCF-style: chr15-84862632-C-T. GRCh37 (hg19) VCF-style: chr15-85405863-C-T.
Identifiers: ClinVar variation 4044447 (VCV004044447.1).
Genomic context (GRCh38, chr15:84,862,632, plus strand): 5'-GTGAGCCCCACATTGGTGAGACAGGAGCTCCTGGTCTCCCACATTTCTCCTGTTCCCCTT[C>T]AGTTGGAGAAGAGATTGAGATGACCCCTATGGTGTTTGCTAAGGGTCTGGCTGACTCTGG-3'

ClinVar aggregate classification (germline): Uncertain significance (1 of 4 stars; one submission).

Conditions:
Cardiovascular phenotype. Identifiers: MedGen CN230736.

Submission:

Ambry Genetics
Classification: Uncertain significance for Cardiovascular phenotype. Last evaluated: 2025-03-22. Review status: criteria provided, single submitter. Criteria: Ambry Variant Classification Scheme 2023. Collection method: clinical testing. Allele origin: germline.
Comment: The c.4736-3C>T intronic variant results from a C to T substitution 3 nucleotides upstream from coding exon 10 in the ALPK3 gene. This nucleotide position is highly conserved in available vertebrate species. In silico splice site analysis predicts that this alteration will not have any significant effect on splicing. Based on the available evidence, the clinical significance of this variant remains unclear.